The following is an entry in ClinVar:

ClinVar aggregate classification (germline): Uncertain significance (1 of 4 stars; one submission).

gnomAD v4.1: 1 of 1,574,922 alleles (0.000063%); highest among the groups gnomAD compares: African/African-American, 0.0013%; no homozygotes.

Submission:

Labcorp Genetics (formerly Invitae), Labcorp
Classification: Uncertain significance. Last evaluated: 2022-06-18. Review status: criteria provided, single submitter. Criteria: Invitae Variant Classification Sherloc (09022015). Collection method: clinical testing. Allele origin: germline.
Comment: In summary, the available evidence is currently insufficient to determine the role of this variant in disease. Therefore, it has been classified as a Variant of Uncertain Significance. Algorithms developed to predict the effect of missense changes on protein structure and function output the following: SIFT: "Tolerated"; PolyPhen-2: "Benign"; Align-GVGD: "Class C0". The valine amino acid residue is found in multiple mammalian species, which suggests that this missense change does not adversely affect protein function. This variant has not been reported in the literature in individuals affected with TONSL-related conditions. This variant is not present in population databases (gnomAD no frequency). This sequence change replaces alanine, which is neutral and non-polar, with valine, which is neutral and non-polar, at codon 750 of the TONSL protein (p.Ala750Val).

NM_013432.5(TONSL):c.2249C>T (p.Ala750Val)

Genes: TONSL (tonsoku like, DNA repair protein; minus strand), TONSL-AS1 (TONSL antisense RNA 1; plus strand). Cytogenetic location: 8q24.3.
Variant type: single nucleotide variant.
Coding change: c.2249C>T on transcript NM_013432.5 (MANE Select); coding-DNA position 2249, C replaced by T.
Protein change: p.Ala750Val; replaces alanine 750 with valine.
Molecular consequence: missense variant.
Genome position (GRCh38, 1-based): chr8:144,436,184, G>A on the plus strand (C>T on the coding strand, the complement: TONSL is on the minus strand). VCF-style: chr8-144436184-G-A. GRCh37 (hg19) VCF-style: chr8-145661567-G-A.
Other names: short protein forms A750V.
Identifiers: ClinVar variation 2007949 (VCV002007949.4), dbSNP rs2537488936, ClinGen allele CA372656589.